The following is an entry in ClinVar:

ClinVar aggregate classification (germline): Uncertain significance. Review status: criteria provided, multiple submitters, no conflicts (2 of 4 stars). 2 submissions from 2 submitters: Uncertain significance (2). Last evaluated 2025-06-12.

Conditions:
Joubert syndrome 18 (JBTS18). Identifiers: Orphanet 2754, MedGen C3553758, MONDO:0013896, OMIM 614815.
Orofacial-digital syndrome IV (OFD4). Also called: Orofaciodigital syndrome IV; BARAITSER-BURN SYNDROME; OFD SYNDROME WITH TIBIAL DEFECTS; OFD SYNDROME, BARAITSER-BURN TYPE; OFDS IV; ORAL-FACIAL-DIGITAL SYNDROME, TYPE IV. Identifiers: Orphanet 2753, MedGen C0406727, MONDO:0009794, OMIM 258860.

Allele frequency attached by ClinVar (database versions not stated): gnomAD exomes below 0.00001; gnomAD 0.00001; ExAC 0.00002; TOPMed 0.00002.
gnomAD v4.1: 7 of 1,613,986 alleles (0.00043%); highest among the groups gnomAD compares: African/African-American, 0.0053%; no homozygotes.

Submissions (2):

Labcorp Genetics (formerly Invitae), Labcorp
Classification: Uncertain significance for Joubert syndrome 18; Orofacial-digital syndrome IV. Last evaluated: 2025-06-12. Review status: criteria provided, single submitter. Criteria: Invitae Variant Classification Sherloc (09022015). Collection method: clinical testing. Allele origin: germline.
Comment: This sequence change replaces valine, which is neutral and non-polar, with isoleucine, which is neutral and non-polar, at codon 350 of the TCTN3 protein (p.Val350Ile). This variant is present in population databases (rs766406328, gnomAD 0.01%). This variant has not been reported in the literature in individuals affected with TCTN3-related conditions. ClinVar contains an entry for this variant (Variation ID: 1806830). Invitae Evidence Modeling of protein sequence and biophysical properties (such as structural, functional, and spatial information, amino acid conservation, physicochemical variation, residue mobility, and thermodynamic stability) indicates that this missense variant is not expected to disrupt TCTN3 protein function with a negative predictive value of 80%. In summary, the available evidence is currently insufficient to determine the role of this variant in disease. Therefore, it has been classified as a Variant of Uncertain Significance.

GeneDx
Classification: Uncertain significance. Last evaluated: 2022-06-23. Review status: criteria provided, single submitter. Criteria: GeneDx Variant Classification Process June 2021. Collection method: clinical testing. Allele origin: germline. Affected: yes.
Comment: Not observed at significant frequency in large population cohorts (gnomAD); In silico analysis supports that this missense variant does not alter protein structure/function; Has not been previously published as pathogenic or benign to our knowledge

NM_015631.6(TCTN3):c.1048G>A (p.Val350Ile)

Gene: TCTN3 (tectonic family member 3; minus strand). Cytogenetic location: 10q24.1.
Variant type: single nucleotide variant.
Coding change: c.1048G>A on transcript NM_015631.6 (MANE Select); coding-DNA position 1048, G replaced by A.
Protein change: p.Val350Ile; replaces valine 350 with isoleucine.
Molecular consequence: missense variant. On other transcripts: intron variant (1).
Genome position (GRCh38, 1-based): chr10:95,684,546, C>T on the plus strand (G>A on the coding strand, the complement: TCTN3 is on the minus strand). VCF-style: chr10-95684546-C-T. GRCh37 (hg19) VCF-style: chr10-97444303-C-T.
Other names: c.1102G>A, p.Val368Ile (NM_001013840.1); c.967G>A, p.Val323Ile (NM_001410982.1); c.652-917G>A (NM_001143973.2); short protein forms V323I, V350I, V368I.
Identifiers: ClinVar variation 1806830 (VCV001806830.4), dbSNP rs766406328, ClinGen allele CA5620978.